The following is an entry in ClinVar:

NM_001354604.2(MITF):c.364C>A (p.His122Asn)

Gene: MITF (melanocyte inducing transcription factor; plus strand). Cytogenetic location: 3p13.
Variant type: single nucleotide variant.
Coding change: c.364C>A on transcript NM_001354604.2 (MANE Select); coding-DNA position 364, C replaced by A.
Protein change: p.His122Asn; replaces histidine 122 with asparagine.
Molecular consequence: missense variant.
Genome position (GRCh38, 1-based): chr3:69,937,831, C>A. VCF-style: chr3-69937831-C-A. GRCh37 (hg19) VCF-style: chr3-69986982-C-A.
Other names: c.43C>A, p.His15Asn (NM_000248.4, NM_001184968.2, NM_198158.3 and 1 more transcripts); c.208C>A, p.His70Asn (NM_001184967.2, NM_001354608.2); c.361C>A, p.His121Asn (NM_001354605.2, NM_001354606.2, NM_006722.3); c.313C>A, p.His105Asn (NM_001354607.2); c.364C>A, p.His122Asn (NM_198159.3); c.316C>A, p.His106Asn (NM_198177.3); short protein forms H105N, H121N, H106N, H70N, H122N, H15N.
Identifiers: ClinVar variation 2946800 (VCV002946800.3), dbSNP rs2471584729, ClinGen allele CA353560264.

ClinVar aggregate classification (germline): Uncertain significance (1 of 4 stars; one submission).

Conditions:
Tietz syndrome (TADS). Also called: ALBINISM-DEAFNESS OF TIETZ; HYPOPIGMENTATION/DEAFNESS OF TIETZ; TIETZ ALBINISM-DEAFNESS SYNDROME. Identifiers: Orphanet 42665, MedGen C0391816, MONDO:0007077, OMIM 103500.
Waardenburg syndrome type 2A (WS2A). Also called: WAARDENBURG SYNDROME WITHOUT DYSTOPIA CANTHORUM. Identifiers: Orphanet 3440, MedGen C1860339, MONDO:0008671, OMIM 193510.
Melanoma, cutaneous malignant, susceptibility to, 8. Also called: MELANOMA AND RENAL CELL CARCINOMA, SUSCEPTIBILITY TO; Cutaneous malignant melanoma 8. Identifiers: Orphanet 293822, MedGen C3152204, MONDO:0013759, OMIM 614456.

Submission:

Labcorp Genetics (formerly Invitae), Labcorp
Classification: Uncertain significance for Melanoma, cutaneous malignant, susceptibility to, 8; Waardenburg syndrome type 2A; Tietz syndrome. Last evaluated: 2024-03-15. Review status: criteria provided, single submitter. Criteria: Invitae Variant Classification Sherloc (09022015). Collection method: clinical testing. Allele origin: germline.
Comment: This sequence change replaces histidine, which is basic and polar, with asparagine, which is neutral and polar, at codon 15 of the MITF protein (p.His15Asn). This variant is not present in population databases (gnomAD no frequency). This variant has not been reported in the literature in individuals affected with MITF-related conditions. Advanced modeling of protein sequence and biophysical properties (such as structural, functional, and spatial information, amino acid conservation, physicochemical variation, residue mobility, and thermodynamic stability) performed at Invitae indicates that this missense variant is not expected to disrupt MITF protein function with a negative predictive value of 80%. In summary, the available evidence is currently insufficient to determine the role of this variant in disease. Therefore, it has been classified as a Variant of Uncertain Significance.